The following is an entry in ClinVar:

ClinVar aggregate classification (germline): Benign. Review status: criteria provided, single submitter (1 of 4 stars). 2 submissions from 2 submitters: Benign (1). 1 of the submissions does not count toward it. Last evaluated 2025-06-19.

Conditions:
ACVR1-related disorder. Also called: ACVR1-related condition.

Allele frequency attached by ClinVar (database versions not stated): ExAC 0.00002; gnomAD exomes 0.00002; gnomAD 0.00005; TOPMed 0.00006; ESP Exome Variant Server 0.00008.
gnomAD v4.1: 46 of 1,613,516 alleles (0.0029%); highest among the groups gnomAD compares: Admixed American, 0.012%; no homozygotes.

Submissions (2):

Labcorp Genetics (formerly Invitae), Labcorp
Classification: Benign. Last evaluated: 2025-06-19. Review status: criteria provided, single submitter. Criteria: Invitae Variant Classification Sherloc (09022015). Collection method: clinical testing. Allele origin: germline.

PreventionGenetics, part of Exact Sciences
Classification: Uncertain significance for ACVR1-related condition. Last evaluated: 2024-03-19. Review status: no assertion criteria provided. Collection method: clinical testing. Allele origin: germline. Not counted in ClinVar's aggregate classification.
Comment: The ACVR1 c.76C>T variant is predicted to result in the amino acid substitution p.Pro26Ser. To our knowledge, this variant has not been reported in the literature. This variant is reported in 0.0028% of alleles in individuals of Latino descent in gnomAD. At this time, the clinical significance of this variant is uncertain due to the absence of conclusive functional and genetic evidence.

NM_001111067.4(ACVR1):c.76C>T (p.Pro26Ser)

Gene: ACVR1 (activin A receptor type 1; minus strand). Cytogenetic location: 2q24.1.
Variant type: single nucleotide variant.
Coding change: c.76C>T on transcript NM_001111067.4 (MANE Select); coding-DNA position 76, C replaced by T.
Protein change: p.Pro26Ser; replaces proline 26 with serine.
Molecular consequence: missense variant.
Genome position (GRCh38, 1-based): chr2:157,780,592, G>A on the plus strand (C>T on the coding strand, the complement: ACVR1 is on the minus strand). VCF-style: chr2-157780592-G-A. GRCh37 (hg19) VCF-style: chr2-158637104-G-A.
Other names: c.76C>T, p.Pro26Ser (NM_001105.5, NM_001347663.1, NM_001347664.1 and 3 more transcripts); c.76C>T (NM_001105.4); short protein forms P26S.
Identifiers: ClinVar variation 1421920 (VCV001421920.7), dbSNP rs377197386, ClinGen allele CA1919226.